The following is an entry in ClinVar:

NM_001083116.3(PRF1):c.218G>C (p.Cys73Ser)

Gene: PRF1 (perforin 1; minus strand). Cytogenetic location: 10q22.1.
Variant type: single nucleotide variant.
Coding change: c.218G>C on transcript NM_001083116.3 (MANE Select); coding-DNA position 218, G replaced by C.
Protein change: p.Cys73Ser; replaces cysteine 73 with serine.
Molecular consequence: missense variant.
Genome position (GRCh38, 1-based): chr10:70,600,685, C>G on the plus strand (G>C on the coding strand, the complement: PRF1 is on the minus strand). VCF-style: chr10-70600685-C-G. GRCh37 (hg19) VCF-style: chr10-72360441-C-G.
Other names: c.218G>C, p.Cys73Ser (NM_005041.6); short protein forms C73S.
Identifiers: ClinVar variation 3768482 (VCV003768482.1).

ClinVar aggregate classification (germline): Likely pathogenic (1 of 4 stars; one submission).

Conditions:
Familial hemophagocytic lymphohistiocytosis (FHL). Also called: Familial erythrophagocytic lymphohistiocytosis; Familial histiocytic reticulosis; Hereditary hemophagocytic lymphohistiocytosis. Identifiers: Orphanet 158038, Orphanet 540, MedGen C0272199, MONDO:0015541.

Submission:

Women's Health and Genetics/Laboratory Corporation of America, LabCorp
Classification: Likely pathogenic for Familial hemophagocytic lymphohistiocytosis. Last evaluated: 2024-12-23. Review status: criteria provided, single submitter. Criteria: LabCorp Variant Classification Summary - May 2015. Collection method: clinical testing. Allele origin: germline.
Comment: Variant summary: PRF1 c.218G>C (p.Cys73Ser) results in a non-conservative amino acid change located in the Membrane attack complex/perforin (MACPF) domain (IPR020864) of the encoded protein sequence. Five of five in-silico tools predict a damaging effect of the variant on protein function. The variant allele was found at a frequency of 4e-06 in 250234 control chromosomes. c.218G>C has been reported in the literature in the homozygous state in at least 1 individual affected with Familial Hemophagocytic Lymphohistiocytosis (example, Gadoury-Levesque_2020). These data indicate that the variant may be associated with disease. To our knowledge, no experimental evidence demonstrating an impact on protein function has been reported. Additionally, a different missense variant at this codon is likely to be pathogenic (c.217T>C p.Cys73Arg), supporting the importance of codon 73 for PRF1 function (PMID: 14757862). The following publication has been ascertained in the context of this evaluation (PMID: 32542393). No submitters have cited clinical-significance assessments for this variant to ClinVar. Based on the evidence outlined above, the variant was classified as likely pathogenic.

Literature cited by the submitters: PubMed 32542393.